The following is an entry in ClinVar:

NM_030667.3(PTPRO):c.2410C>T (p.Pro804Ser)

Gene: PTPRO (protein tyrosine phosphatase receptor type O; plus strand). Cytogenetic location: 12p12.3.
Variant type: single nucleotide variant.
Coding change: c.2410C>T on transcript NM_030667.3 (MANE Select); coding-DNA position 2410, C replaced by T.
Protein change: p.Pro804Ser; replaces proline 804 with serine.
Molecular consequence: missense variant. On other transcripts: 5 prime UTR variant (4).
Genome position (GRCh38, 1-based): chr12:15,549,199, C>T. VCF-style: chr12-15549199-C-T. GRCh37 (hg19) VCF-style: chr12-15702133-C-T.
Other names: c.2410C>T, p.Pro804Ser (NM_002848.4); c.-24C>T (NM_030668.3, NM_030669.3, NM_030670.3 and 1 more transcripts); short protein forms P804S.
Identifiers: ClinVar variation 2101861 (VCV002101861.4), dbSNP rs1467017091, ClinGen allele CA384037878.
Genomic context (GRCh38, chr12:15,549,199, plus strand): 5'-CTTCCTGCCACTGCCTACAATTGTAGTGTCACCAGCTTTAGCCATGACAGCCCCAGTGTC[C>T]CTACGTTCATAGCCGTCTCAACAATGGGTAATTATACACATTAGTGTATAATTTTCTCAC-3'
Protein context (NP_109592.1, residues 794-814): TSFSHDSPSV[Pro804Ser]TFIAVSTMVT

ClinVar aggregate classification (germline): Uncertain significance (1 of 4 stars; one submission).

Allele frequency attached by ClinVar (database versions not stated): gnomAD 0.00001.
gnomAD v4.1: 1 of 1,612,214 alleles (0.000062%); highest among the groups gnomAD compares: Non-Finnish European, 0.000085%; no homozygotes.

Submission:

Labcorp Genetics (formerly Invitae), Labcorp
Classification: Uncertain significance. Last evaluated: 2022-08-16. Review status: criteria provided, single submitter. Criteria: Invitae Variant Classification Sherloc (09022015). Collection method: clinical testing. Allele origin: germline.
Comment: This variant is present in population databases (no rsID available, gnomAD 0.007%). In summary, the available evidence is currently insufficient to determine the role of this variant in disease. Therefore, it has been classified as a Variant of Uncertain Significance. Algorithms developed to predict the effect of missense changes on protein structure and function (SIFT, PolyPhen-2, Align-GVGD) all suggest that this variant is likely to be disruptive. This variant has not been reported in the literature in individuals affected with PTPRO-related conditions. This sequence change replaces proline, which is neutral and non-polar, with serine, which is neutral and polar, at codon 804 of the PTPRO protein (p.Pro804Ser).